The following is an entry in ClinVar:

ClinVar aggregate classification (germline): Benign (1 of 4 stars; one submission).

Conditions:
Loeys-Dietz syndrome 4 (LDS4). Also called: ANEURYSM, AORTIC AND CEREBRAL, WITH ARTERIAL TORTUOSITY AND SKELETAL MANIFESTATIONS; TGFB2-Related Loeys-Dietz Syndrome. Identifiers: MedGen C3553762, MONDO:0013897, OMIM 614816.

Allele frequency attached by ClinVar (database versions not stated): gnomAD 0.10188 and 0.10708; TOPMed 0.11108; 1000 Genomes Project 0.11222; 1000 Genomes Project 30x 0.11555.
gnomAD v4.1: 15,284 of 151,162 alleles (10%); highest among the groups gnomAD compares: African/African-American, 27%; 1,569 homozygotes.

Submission:

Illumina Laboratory Services, Illumina
Classification: Benign for Loeys-Dietz syndrome 4. Last evaluated: 2017-04-27. Review status: criteria provided, single submitter. Criteria: ICSL Variant Classification Criteria 13 December 2019. Collection method: clinical testing. Allele origin: germline.
Comment: This variant was observed as part of a predisposition screen in an ostensibly healthy population. A literature search was performed for the gene, cDNA change, and amino acid change (where applicable). No publications were found based on this search. Allele frequency data from public databases was too high to be consistent with this variant causing disease. Therefore, this variant is classified as benign.

NM_003238.6(TGFB2):c.-714A>C

Gene: TGFB2 (transforming growth factor beta 2; plus strand). Cytogenetic location: 1q41.
Variant type: single nucleotide variant.
Coding change: c.-714A>C on transcript NM_003238.6 (MANE Select); 714 bases upstream of the start codon, A replaced by C.
Molecular consequence: 5 prime UTR variant. On other transcripts: non-coding transcript variant (2).
Genome position (GRCh38, 1-based): chr1:218,345,988, A>C. VCF-style: chr1-218345988-A-C. GRCh37 (hg19) VCF-style: chr1-218519330-A-C.
Other names: c.-714A>C (NM_001135599.4).
Identifiers: ClinVar variation 295463 (VCV000295463.5), dbSNP rs73110310, ClinGen allele CA10609092.
Genomic context (GRCh38, chr1:218,345,988, plus strand): 5'-CCAGAGCAGGATCCGCGCCGCCTCAGCAGCCTCTGCGGCCCCTGCGGCACCCGACCGAGT[A>C]CCGAGCGCCCTGCGAAGCGCACCCTCCTCCCCGCGGTGCGCTGGGCTCGCCCCCAGCGCG-3'